The following is an entry in ClinVar:

ClinVar aggregate classification (germline): Uncertain significance (1 of 4 stars; one submission).

Conditions:
Hereditary cancer-predisposing syndrome. Also called: Neoplastic Syndromes, Hereditary; Tumor predisposition; Hereditary neoplastic syndrome; Hereditary Cancer Syndrome. Identifiers: Orphanet 140162, MedGen C0027672, MeSH D009386, MONDO:0015356.

Submission:

Ambry Genetics
Classification: Uncertain significance for Hereditary cancer-predisposing syndrome. Last evaluated: 2023-10-19. Review status: criteria provided, single submitter. Criteria: Ambry Variant Classification Scheme 2023. Collection method: clinical testing. Allele origin: germline.
Comment: The p.E1178A variant (also known as c.3533A>C), located in coding exon 19 of the BRIP1 gene, results from an A to C substitution at nucleotide position 3533. The glutamic acid at codon 1178 is replaced by alanine, an amino acid with dissimilar properties. This amino acid position is conserved. In addition, this alteration is predicted to be tolerated by in silico analysis. Since supporting evidence is limited at this time, the clinical significance of this alteration remains unclear.

NM_032043.3(BRIP1):c.3533A>C (p.Glu1178Ala)

Gene: BRIP1 (BRCA1 interacting DNA helicase 1; minus strand). Cytogenetic location: 17q23.2.
Variant type: single nucleotide variant.
Coding change: c.3533A>C on transcript NM_032043.3 (MANE Select); coding-DNA position 3533, A replaced by C.
Protein change: p.Glu1178Ala; replaces glutamic acid 1178 with alanine.
Molecular consequence: missense variant.
Genome position (GRCh38, 1-based): chr17:61,683,513, T>G on the plus strand (A>C on the coding strand, the complement: BRIP1 is on the minus strand). VCF-style: chr17-61683513-T-G. GRCh37 (hg19) VCF-style: chr17-59760874-T-G.
Other names: short protein forms E1178A.
Identifiers: ClinVar variation 3228129 (VCV003228129.1), dbSNP rs752850661, ClinGen allele CA400478381.